The following is an entry in ClinVar:

ClinVar aggregate classification (germline): Uncertain significance (1 of 4 stars; one submission).

Allele frequency attached by ClinVar (database versions not stated): TOPMed below 0.00001; ExAC 0.00003.
gnomAD v4.1: 5 of 1,614,144 alleles (0.00031%); highest among the groups gnomAD compares: Admixed American, 0.0083%; no homozygotes.

Submission:

Labcorp Genetics (formerly Invitae), Labcorp
Classification: Uncertain significance. Last evaluated: 2026-01-19. Review status: criteria provided, single submitter. Criteria: Invitae Variant Classification Sherloc (09022015). Collection method: clinical testing. Allele origin: germline.
Comment: This sequence change replaces glycine, which is neutral and non-polar, with aspartic acid, which is acidic and polar, at codon 243 of the MLPH protein (p.Gly243Asp). This variant is present in population databases (rs763184902, gnomAD 0.01%). This variant has not been reported in the literature in individuals affected with MLPH-related conditions. ClinVar contains an entry for this variant (Variation ID: 2075132). Invitae Evidence Modeling of protein sequence and biophysical properties (such as structural, functional, and spatial information, amino acid conservation, physicochemical variation, residue mobility, and thermodynamic stability) indicates that this missense variant is not expected to disrupt MLPH protein function with a negative predictive value of 80%. In summary, the available evidence is currently insufficient to determine the role of this variant in disease. Therefore, it has been classified as a Variant of Uncertain Significance.

NM_024101.7(MLPH):c.728G>A (p.Gly243Asp)

Gene: MLPH (melanophilin; plus strand). Cytogenetic location: 2q37.3.
Variant type: single nucleotide variant.
Coding change: c.728G>A on transcript NM_024101.7 (MANE Select); coding-DNA position 728, G replaced by A.
Protein change: p.Gly243Asp; replaces glycine 243 with aspartic acid.
Molecular consequence: missense variant. On other transcripts: non-coding transcript variant (1), intron variant (1).
Genome position (GRCh38, 1-based): chr2:237,525,653, G>A. VCF-style: chr2-237525653-G-A. GRCh37 (hg19) VCF-style: chr2-238434296-G-A.
Other names: c.728G>A, p.Gly243Asp (NM_001042467.3); c.608G>A, p.Gly203Asp (NM_001281473.2); c.675+5624G>A (NM_001281474.2); short protein forms G243D, G203D.
Identifiers: ClinVar variation 2075132 (VCV002075132.4), dbSNP rs763184902, ClinGen allele CA2190328.